The following is an entry in ClinVar:

NM_021930.6(RINT1):c.1316T>G (p.Leu439Trp)

Gene: RINT1 (RAD50 interactor 1; plus strand). Cytogenetic location: 7q22.3.
Variant type: single nucleotide variant.
Coding change: c.1316T>G on transcript NM_021930.6 (MANE Select); coding-DNA position 1316, T replaced by G.
Protein change: p.Leu439Trp; replaces leucine 439 with tryptophan.
Molecular consequence: missense variant. On other transcripts: non-coding transcript variant (1).
Genome position (GRCh38, 1-based): chr7:105,550,469, T>G. VCF-style: chr7-105550469-T-G. GRCh37 (hg19) VCF-style: chr7-105190916-T-G.
Other names: c.1082T>G, p.Leu361Trp (NM_001346599.2); c.293T>G, p.Leu98Trp (NM_001346600.2, NM_001346603.2); c.392T>G, p.Leu131Trp (NM_001346601.2); short protein forms L131W, L361W, L439W, L98W.
Identifiers: ClinVar variation 3227597 (VCV003227597.1), dbSNP rs2485133816, ClinGen allele CA368809438.

ClinVar aggregate classification (germline): Uncertain significance (1 of 4 stars; one submission).

Submission:

Ambry Genetics
Classification: Uncertain significance. Last evaluated: 2023-12-31. Review status: criteria provided, single submitter. Criteria: Ambry Variant Classification Scheme 2023. Collection method: clinical testing. Allele origin: germline.
Comment: The p.L439W variant (also known as c.1316T>G), located in coding exon 9 of the RINT1 gene, results from a T to G substitution at nucleotide position 1316. The leucine at codon 439 is replaced by tryptophan, an amino acid with similar properties. This amino acid position is conserved. In addition, this alteration is predicted to be deleterious by in silico analysis. Since supporting evidence is limited at this time, the clinical significance of this alteration remains unclear.